The following is an entry in ClinVar:

ClinVar aggregate classification (germline): Uncertain significance. Review status: criteria provided, multiple submitters, no conflicts (2 of 4 stars). 2 submissions from 2 submitters: Uncertain significance (2). Last evaluated 2025-08-01.

Conditions:
Inborn genetic diseases. Identifiers: MedGen C0950123, MeSH D030342.

Allele frequency attached by ClinVar (database versions not stated): ExAC 0.00002; gnomAD exomes 0.00002; TOPMed 0.00003.
gnomAD v4.1: 23 of 1,613,880 alleles (0.0014%); highest among the groups gnomAD compares: Admixed American, 0.0033%; no homozygotes.

Submissions (2):

Ambry Genetics
Classification: Uncertain significance for Inborn genetic diseases. Last evaluated: 2025-08-01. Review status: criteria provided, single submitter. Criteria: Ambry Variant Classification Scheme 2023. Collection method: clinical testing. Allele origin: germline.

Labcorp Genetics (formerly Invitae), Labcorp
Classification: Uncertain significance. Last evaluated: 2024-05-07. Review status: criteria provided, single submitter. Criteria: Invitae Variant Classification Sherloc (09022015). Collection method: clinical testing. Allele origin: germline.
Comment: This sequence change replaces serine, which is neutral and polar, with leucine, which is neutral and non-polar, at codon 1120 of the FOCAD protein (p.Ser1120Leu). This variant is present in population databases (rs768308950, gnomAD 0.003%). This variant has not been reported in the literature in individuals affected with FOCAD-related conditions. ClinVar contains an entry for this variant (Variation ID: 2538847). Experimental studies and prediction algorithms are not available or were not evaluated, and the functional significance of this variant is currently unknown. In summary, the available evidence is currently insufficient to determine the role of this variant in disease. Therefore, it has been classified as a Variant of Uncertain Significance.

NM_001375567.1(FOCAD):c.3359C>T (p.Ser1120Leu)

Gene: FOCAD (focadhesin; plus strand). Cytogenetic location: 9p21.3.
Variant type: single nucleotide variant.
Coding change: c.3359C>T on transcript NM_001375567.1 (MANE Select); coding-DNA position 3359, C replaced by T.
Protein change: p.Ser1120Leu; replaces serine 1120 with leucine.
Molecular consequence: missense variant.
Genome position (GRCh38, 1-based): chr9:20,933,055, C>T. VCF-style: chr9-20933055-C-T. GRCh37 (hg19) VCF-style: chr9-20933054-C-T.
Other names: c.3254C>T, p.Ser1085Leu (NM_001375568.1, NM_001375570.1); c.3359C>T, p.Ser1120Leu (NM_017794.5); short protein forms S1120L, S1085L.
Identifiers: ClinVar variation 2538847 (VCV002538847.5), dbSNP rs768308950, ClinGen allele CA5007516.